The following is an entry in ClinVar:

NM_015338.6(ASXL1):c.2101C>A (p.Pro701Thr)

Gene: ASXL1 (ASXL transcriptional regulator 1; plus strand). Cytogenetic location: 20q11.21.
Variant type: single nucleotide variant.
Coding change: c.2101C>A on transcript NM_015338.6 (MANE Select); coding-DNA position 2101, C replaced by A.
Protein change: p.Pro701Thr; replaces proline 701 with threonine.
Molecular consequence: missense variant.
Genome position (GRCh38, 1-based): chr20:32,434,813, C>A. VCF-style: chr20-32434813-C-A. GRCh37 (hg19) VCF-style: chr20-31022616-C-A.
Other names: c.1918C>A, p.Pro640Thr (NM_001363734.1); short protein forms P640T, P701T.
Identifiers: ClinVar variation 5030075 (VCV005030075.1).

ClinVar aggregate classification (germline): Uncertain significance (1 of 4 stars; one submission).

Conditions:
Inborn genetic diseases. Identifiers: MedGen C0950123, MeSH D030342.

Submission:

Ambry Genetics
Classification: Uncertain significance for Inborn genetic diseases. Last evaluated: 2026-07-26. Review status: criteria provided, single submitter. Criteria: Ambry Variant Classification Scheme 2023. Collection method: clinical testing. Allele origin: germline.
Comment: The p.P701T variant (also known as c.2101C>A), located in coding exon 13 of the ASXL1 gene, results from a C to A substitution at nucleotide position 2101. The proline at codon 701 is replaced by threonine, an amino acid with highly similar properties. This amino acid position is conserved. In addition, this alteration is predicted to be tolerated by in silico analysis. Based on the available evidence, the clinical significance of this variant remains unclear.